The following is an entry in ClinVar:

ClinVar aggregate classification (germline): Uncertain significance (1 of 4 stars; one submission).

Submission:

Labcorp Genetics (formerly Invitae), Labcorp
Classification: Uncertain significance. Last evaluated: 2023-07-25. Review status: criteria provided, single submitter. Criteria: Invitae Variant Classification Sherloc (09022015). Collection method: clinical testing. Allele origin: germline.
Comment: This sequence change replaces glutamic acid, which is acidic and polar, with glutamine, which is neutral and polar, at codon 187 of the HOXB13 protein (p.Glu187Gln). This variant is not present in population databases (gnomAD no frequency). This variant has not been reported in the literature in individuals affected with HOXB13-related conditions. Advanced modeling of protein sequence and biophysical properties (such as structural, functional, and spatial information, amino acid conservation, physicochemical variation, residue mobility, and thermodynamic stability) performed at Invitae indicates that this missense variant is not expected to disrupt HOXB13 protein function. In summary, the available evidence is currently insufficient to determine the role of this variant in disease. Therefore, it has been classified as a Variant of Uncertain Significance.

NM_006361.6(HOXB13):c.559G>C (p.Glu187Gln)

Gene: HOXB13 (homeobox B13; minus strand). Cytogenetic location: 17q21.32.
Variant type: single nucleotide variant.
Coding change: c.559G>C on transcript NM_006361.6 (MANE Select); coding-DNA position 559, G replaced by C.
Protein change: p.Glu187Gln; replaces glutamic acid 187 with glutamine.
Molecular consequence: missense variant.
Genome position (GRCh38, 1-based): chr17:48,728,035, C>G on the plus strand (G>C on the coding strand, the complement: HOXB13 is on the minus strand). VCF-style: chr17-48728035-C-G. GRCh37 (hg19) VCF-style: chr17-46805397-C-G.
Other names: short protein forms E187Q.
Identifiers: ClinVar variation 2746950 (VCV002746950.3), dbSNP rs2143070975, ClinGen allele CA400107187.